The following is an entry in ClinVar:

NM_020928.2(ZSWIM6):c.1948G>C (p.Asp650His)

Gene: ZSWIM6 (zinc finger SWIM-type containing 6; plus strand). Cytogenetic location: 5q12.1.
Variant type: single nucleotide variant.
Coding change: c.1948G>C on transcript NM_020928.2 (MANE Select); coding-DNA position 1948, G replaced by C.
Protein change: p.Asp650His; replaces aspartic acid 650 with histidine.
Molecular consequence: missense variant.
Genome position (GRCh38, 1-based): chr5:61,530,162, G>C. VCF-style: chr5-61530162-G-C. GRCh37 (hg19) VCF-style: chr5-60825989-G-C.
Other names: short protein forms D650H.
Identifiers: ClinVar variation 1943633 (VCV001943633.4), dbSNP rs1402862837, ClinGen allele CA359944231.

ClinVar aggregate classification (germline): Uncertain significance (1 of 4 stars; one submission).

Allele frequency attached by ClinVar (database versions not stated): gnomAD exomes below 0.00001; gnomAD 0.00002; TOPMed 0.00003.

Submission:

Labcorp Genetics (formerly Invitae), Labcorp
Classification: Uncertain significance. Last evaluated: 2025-01-27. Review status: criteria provided, single submitter. Criteria: Invitae Variant Classification Sherloc (09022015). Collection method: clinical testing. Allele origin: germline.
Comment: This sequence change replaces aspartic acid, which is acidic and polar, with histidine, which is basic and polar, at codon 650 of the ZSWIM6 protein (p.Asp650His). This variant is present in population databases (no rsID available, gnomAD 0.01%). This variant has not been reported in the literature in individuals affected with ZSWIM6-related conditions. ClinVar contains an entry for this variant (Variation ID: 1943633). Invitae Evidence Modeling of protein sequence and biophysical properties (such as structural, functional, and spatial information, amino acid conservation, physicochemical variation, residue mobility, and thermodynamic stability) indicates that this missense variant is not expected to disrupt ZSWIM6 protein function with a negative predictive value of 80%. In summary, the available evidence is currently insufficient to determine the role of this variant in disease. Therefore, it has been classified as a Variant of Uncertain Significance.